The following is an entry in ClinVar:

NM_032382.5(COG8):c.1348C>T (p.Arg450Cys)

Gene: COG8 (component of oligomeric golgi complex 8; minus strand). Cytogenetic location: 16q22.1.
Variant type: single nucleotide variant.
Coding change: c.1348C>T on transcript NM_032382.5 (MANE Select); coding-DNA position 1348, C replaced by T.
Protein change: p.Arg450Cys; replaces arginine 450 with cysteine.
Molecular consequence: missense variant.
Genome position (GRCh38, 1-based): chr16:69,334,586, G>A on the plus strand (C>T on the coding strand, the complement: COG8 is on the minus strand). VCF-style: chr16-69334586-G-A. GRCh37 (hg19) VCF-style: chr16-69368489-G-A.
Other names: c.1348C>T (NM_032382.4); c.1348C>T, p.Arg450Cys (NM_001374871.1, NM_001379261.1, NM_001379262.1 and 4 more transcripts); short protein forms R450C.
Identifiers: ClinVar variation 1054626 (VCV001054626.11), dbSNP rs776576528, ClinGen allele CA8133744.

ClinVar aggregate classification (germline): Uncertain significance. Review status: criteria provided, multiple submitters, no conflicts (2 of 4 stars). 3 submissions from 3 submitters: Uncertain significance (3). Last evaluated 2025-09-10.

Conditions:
COG8-congenital disorder of glycosylation. Also called: CDG IIh; COG8-CDG. Identifiers: Orphanet 95428, MedGen C1970021, MONDO:0012635, OMIM 611182.
Inborn genetic diseases. Identifiers: MedGen C0950123, MeSH D030342.

Allele frequency attached by ClinVar (database versions not stated): gnomAD 0.00001 and 0.00002; gnomAD exomes 0.00002 and 0.00003; ExAC 0.00003; TOPMed 0.00006.
gnomAD v4.1: 33 of 1,614,080 alleles (0.002%); highest among the groups gnomAD compares: Admixed American, 0.01%; no homozygotes.

Submissions (3):

Genomic Medicine Center of Excellence, King Faisal Specialist Hospital and Research Centre
Classification: Uncertain significance for COG8-congenital disorder of glycosylation. Last evaluated: 2025-09-10. Review status: criteria provided, single submitter. Criteria: ACMG Guidelines, 2015. Collection method: clinical testing. Allele origin: germline.

Ambry Genetics
Classification: Uncertain significance for Inborn genetic diseases. Last evaluated: 2023-11-14. Review status: criteria provided, single submitter. Criteria: Ambry Variant Classification Scheme 2023. Collection method: clinical testing. Allele origin: germline.

Labcorp Genetics (formerly Invitae), Labcorp
Classification: Uncertain significance for COG8-congenital disorder of glycosylation. Last evaluated: 2022-07-06. Review status: criteria provided, single submitter. Criteria: Invitae Variant Classification Sherloc (09022015). Collection method: clinical testing. Allele origin: germline.
Comment: This sequence change replaces arginine, which is basic and polar, with cysteine, which is neutral and slightly polar, at codon 450 of the COG8 protein (p.Arg450Cys). In summary, the available evidence is currently insufficient to determine the role of this variant in disease. Therefore, it has been classified as a Variant of Uncertain Significance. Algorithms developed to predict the effect of missense changes on protein structure and function are either unavailable or do not agree on the potential impact of this missense change (SIFT: "Deleterious"; PolyPhen-2: "Probably Damaging"; Align-GVGD: "Class C15"). ClinVar contains an entry for this variant (Variation ID: 1054626). This variant has not been reported in the literature in individuals affected with COG8-related conditions. This variant is present in population databases (rs776576528, gnomAD 0.01%).